The following is an entry in ClinVar:

ClinVar aggregate classification (germline): Pathogenic (1 of 4 stars; one submission).

Submission:

Labcorp Genetics (formerly Invitae), Labcorp
Classification: Pathogenic. Last evaluated: 2023-08-15. Review status: criteria provided, single submitter. Criteria: Invitae Variant Classification Sherloc (09022015). Collection method: clinical testing. Allele origin: germline.
Comment: A gross deletion of the genomic region encompassing the full coding sequence of the TMEM126A gene has been identified. Loss-of-function variants in TMEM126A are known to be pathogenic (PMID: 19327736). The boundaries of this event are unknown as they extend beyond the assayed region for this gene and therefore may encompass additional genes. This variant has not been reported in the literature in individuals affected with TMEM126A-related conditions. For these reasons, this variant has been classified as Pathogenic.

Literature cited by the submitters: PubMed 19327736.

NC_000011.9:g.(?_85339652)_(86666127_?)del

Genes: CCDC81 (coiled-coil domain containing 81; plus strand), CCDC83 (coiled-coil domain containing 83; plus strand), CCDC89 (coiled-coil domain containing 89; minus strand), CREBZF (CREB/ATF bZIP transcription factor; minus strand), EED (embryonic ectoderm development; plus strand) and 8 more. Cytogenetic location: 11q14.1-14.2.
Variant type: Deletion.
Identifiers: ClinVar variation 2427027 (VCV002427027.4).